The following is an entry in ClinVar:

ClinVar aggregate classification (germline): Uncertain significance (1 of 4 stars; one submission).

Allele frequency attached by ClinVar (database versions not stated): ExAC 0.00001; gnomAD exomes 0.00001.
gnomAD v4.1: 11 of 1,613,906 alleles (0.00068%); highest among the groups gnomAD compares: South Asian, 0.0033%; no homozygotes.

Submission:

Labcorp Genetics (formerly Invitae), Labcorp
Classification: Uncertain significance. Last evaluated: 2022-08-16. Review status: criteria provided, single submitter. Criteria: Invitae Variant Classification Sherloc (09022015). Collection method: clinical testing. Allele origin: germline.
Comment: In summary, the available evidence is currently insufficient to determine the role of this variant in disease. Therefore, it has been classified as a Variant of Uncertain Significance. Algorithms developed to predict the effect of missense changes on protein structure and function (SIFT, PolyPhen-2, Align-GVGD) all suggest that this variant is likely to be disruptive. This variant has not been reported in the literature in individuals affected with DHX38-related conditions. This variant is present in population databases (rs753722533, gnomAD 0.003%). This sequence change replaces arginine, which is basic and polar, with glutamine, which is neutral and polar, at codon 139 of the DHX38 protein (p.Arg139Gln).

NM_014003.4(DHX38):c.416G>A (p.Arg139Gln)

Gene: DHX38 (DEAH-box helicase 38; plus strand). Cytogenetic location: 16q22.2.
Variant type: single nucleotide variant.
Coding change: c.416G>A on transcript NM_014003.4 (MANE Select); coding-DNA position 416, G replaced by A.
Protein change: p.Arg139Gln; replaces arginine 139 with glutamine.
Molecular consequence: missense variant.
Genome position (GRCh38, 1-based): chr16:72,096,914, G>A. VCF-style: chr16-72096914-G-A. GRCh37 (hg19) VCF-style: chr16-72130813-G-A.
Other names: short protein forms R139Q.
Identifiers: ClinVar variation 2158664 (VCV002158664.2), dbSNP rs753722533, ClinGen allele CA8159961.